The following is an entry in ClinVar:

NM_153816.6(SNX14):c.2670del (p.Lys889_Cys890insTer)

Gene: SNX14 (sorting nexin 14; minus strand). Cytogenetic location: 6q14.3.
Variant type: Deletion.
Coding change: c.2670del on transcript NM_153816.6 (MANE Select); coding-DNA position 2670, one base deleted (T; older notation c.2670delT).
Protein change: p.Lys889_Cys890insTer.
Molecular consequence: nonsense. On other transcripts: non-coding transcript variant (6).
Genome position (GRCh38, 1-based): chr6:85,508,043, A deleted on the plus strand (T on the coding strand, the reverse complement: SNX14 is on the minus strand). VCF-style (leftmost placement, unchanged base first): chr6-85508042-TA-T. GRCh37 (hg19) VCF-style: chr6-86217760-TA-T.
Other names: NM_153816.6(SNX14):c.2670del; p.Lys889_Cys890insTer; c.2643del, p.Lys880_Cys881insTer (NM_001297614.3); c.2514del, p.Lys837_Cys838insTer (NM_001304479.2); c.2733del, p.Lys910_Cys911insTer (NM_001350532.2); c.2667del, p.Lys888_Cys889insTer (NM_001350533.2, NM_001350535.2); c.2640del, p.Lys879_Cys880insTer (NM_001350534.2); c.2538del, p.Lys845_Cys846insTer (NM_001350536.2); and 12 more.
Identifiers: ClinVar variation 190320 (VCV000190320.48), dbSNP rs774694340, ClinGen allele CA3911800.

ClinVar aggregate classification (germline): Pathogenic. Review status: criteria provided, multiple submitters, no conflicts (2 of 4 stars). 7 submissions from 7 submitters: Pathogenic (6). 1 of the submissions does not count toward it. Last evaluated 2024-03-20.

Conditions:
SNX14-related disorder. Also called: SNX14-related condition.
Autosomal recessive spinocerebellar ataxia 20. Identifiers: Orphanet 397709, MedGen C5190595, MONDO:0014601, OMIM 616354.

Allele frequency attached by ClinVar (database versions not stated): gnomAD 0.00001; TOPMed 0.00001; gnomAD exomes 0.00004 and 0.00006; ExAC 0.00008; ESP Exome Variant Server 0.00008.

Submissions (7):

Blueprint Genetics
Classification: Pathogenic for SNX14-related disorders. Last evaluated: 2024-03-20. Review status: criteria provided, single submitter. Criteria: ACMG Guidelines, 2015. Collection method: clinical testing. Allele origin: germline. Affected: yes. Observed: 3 variant alleles.

Clinical Genetics Laboratory, Skane University Hospital Lund
Classification: Pathogenic. Last evaluated: 2024-03-08. Review status: criteria provided, single submitter. Criteria: ACMG Guidelines, 2015. Collection method: clinical testing. Allele origin: germline. Affected: yes.

Broad Center for Mendelian Genomics, Broad Institute of MIT and Harvard
Classification: Pathogenic for Autosomal recessive spinocerebellar ataxia 20. Last evaluated: 2023-05-02. Review status: criteria provided, single submitter. Criteria: ACMG Guidelines, 2015. Collection method: curation. Allele origin: germline. Inheritance: Autosomal recessive inheritance.
Comment: The p.Lys889_Cys890insTer variant in SNX14 has been previously reported in 4 affected relatives from one family with autosomal recessive spinocerebellar ataxia 20 (PMID: 25848753) but has been identified in 0.01% (17/128632) of European (non-Finnish) chromosomes by the Genome Aggregation Database (gnomAD; dbSNP ID: rs774694340). Although this variant has been seen in the general population in a heterozygous state, its frequency is low enough to be consistent with a recessive carrier frequency. This variant has also been reported in ClinVar (Variation ID: 190320) and has been interpreted as pathogenic by OMIM, GeneDx, HudsonAlpha Institute for Biotechnology, and CeGaT Center for Human Genetics Tuebingen. This variant is predicted to cause a frameshift, which alters the protein‚Äôs amino acid sequence beginning at position 889 and leads to a premature termination codon 1 amino acids downstream. This alteration is then predicted to lead to a truncated or absent protein. Loss of function of the SNX14 gene is an established disease mechanism in autosomal recessive spinocerebellar ataxia 20. In summary, this variant meets criteria to be classified as pathogenic for autosomal recessive spinocerebellar ataxia 20. ACMG/AMP Criteria applied: PVS1, PM2_Supporting, PM3, PP1_Moderate (Richards 2015).

GeneDx
Classification: Pathogenic. Last evaluated: 2023-03-27. Review status: criteria provided, single submitter. Criteria: GeneDx Variant Classification Process June 2021. Collection method: clinical testing. Allele origin: germline. Affected: yes.
Comment: Not observed at significant frequency in large population cohorts (gnomAD); Nonsense variant predicted to result in protein truncation or nonsense mediated decay in a gene for which loss of function is a known mechanism of disease; This variant is associated with the following publications: (PMID: 25848753, 34426522)

CeGaT Center for Human Genetics Tuebingen
Classification: Pathogenic. Last evaluated: 2020-07-01. Review status: criteria provided, single submitter. Criteria: CeGaT Center For Human Genetics Tuebingen Variant Classification Criteria Version 2. Collection method: clinical testing. Allele origin: germline. Affected: yes. Observed: 2 variant alleles.

HudsonAlpha Institute for Biotechnology
Classification: Pathogenic for Autosomal recessive spinocerebellar ataxia 20. Last evaluated: 2017-01-12. Review status: criteria provided, single submitter. Criteria: HA_assertions_20161101. Collection method: research. Allele origin: paternal. Affected: yes. Observed: 1 variant allele. Study: CSER-HudsonAlpha.

OMIM
Classification: Pathogenic for SPINOCEREBELLAR ATAXIA, AUTOSOMAL RECESSIVE 20. Last evaluated: 2015-05-01. Review status: no assertion criteria provided. Collection method: literature only. Allele origin: germline. Not counted in ClinVar's aggregate classification.

Literature cited by the submitters: PubMed 25848753 (cited by OMIM).